The following is an entry in ClinVar:

ClinVar aggregate classification (germline): Uncertain significance (1 of 4 stars; one submission).

Conditions:
Neuropathy, hereditary sensory and autonomic, type 2A (HSAN2A). Also called: WNK1-Related HSAN2 (HSAN2A); MORVAN DISEASE; NEUROPATHY, CONGENITAL SENSORY; NEUROPATHY, HEREDITARY SENSORY RADICULAR, AUTOSOMAL RECESSIVE; NEUROPATHY, HEREDITARY SENSORY, TYPE IIA; NEUROPATHY, PROGRESSIVE SENSORY, OF CHILDREN. Identifiers: Orphanet 970, MedGen C2752089, MONDO:0024309, OMIM 201300.
Generalized epilepsy with febrile seizures plus, type 7 (GEFSP7). Also called: GEFS+, TYPE 7. Identifiers: Orphanet 36387, MedGen C2751778, MONDO:0013470, OMIM 613863.

Allele frequency attached by ClinVar (database versions not stated): gnomAD 0.00001; gnomAD exomes 0.00001; TOPMed 0.00003.
gnomAD v4.1: 16 of 1,586,880 alleles (0.001%); highest among the groups gnomAD compares: Admixed American, 0.0089%; no homozygotes.

Submission:

Labcorp Genetics (formerly Invitae), Labcorp
Classification: Uncertain significance for Neuropathy, hereditary sensory and autonomic, type 2A; Generalized epilepsy with febrile seizures plus, type 7. Last evaluated: 2025-01-31. Review status: criteria provided, single submitter. Criteria: Invitae Variant Classification Sherloc (09022015). Collection method: clinical testing. Allele origin: germline.
Comment: This sequence change replaces tyrosine, which is neutral and polar, with cysteine, which is neutral and slightly polar, at codon 362 of the SCN9A protein (p.Tyr362Cys). This variant is present in population databases (no rsID available, gnomAD 0.007%). This variant has not been reported in the literature in individuals affected with SCN9A-related conditions. ClinVar contains an entry for this variant (Variation ID: 1043657). Invitae Evidence Modeling of protein sequence and biophysical properties (such as structural, functional, and spatial information, amino acid conservation, physicochemical variation, residue mobility, and thermodynamic stability) indicates that this missense variant is not expected to disrupt SCN9A protein function with a negative predictive value of 95%. In summary, the available evidence is currently insufficient to determine the role of this variant in disease. Therefore, it has been classified as a Variant of Uncertain Significance.

NM_001365536.1(SCN9A):c.1085A>G (p.Tyr362Cys)

Genes: SCN1A-AS1 (SCN1A and SCN9A antisense RNA 1; plus strand), SCN9A (sodium voltage-gated channel alpha subunit 9; minus strand). Cytogenetic location: 2q24.3.
Variant type: single nucleotide variant.
Coding change: c.1085A>G on transcript NM_001365536.1 (MANE Select); coding-DNA position 1085, A replaced by G.
Protein change: p.Tyr362Cys; replaces tyrosine 362 with cysteine.
Molecular consequence: missense variant.
Genome position (GRCh38, 1-based): chr2:166,293,253, T>C on the plus strand (A>G on the coding strand, the complement: SCN9A is on the minus strand). VCF-style: chr2-166293253-T-C. GRCh37 (hg19) VCF-style: chr2-167149763-T-C.
Other names: c.1085A>G, p.Tyr362Cys (NM_002977.4); short protein forms Y362C.
Identifiers: ClinVar variation 1043657 (VCV001043657.9), dbSNP rs1361635396, ClinGen allele CA349088835.
Genomic context (GRCh38, chr2:166,293,253, plus strand): 5'-CATTCAAAAATACAATGCATGTTTCTCTTGGTACTCACCTGTTGGTAAAGGTTTTCCCAG[T>C]AATCTTGGGTCATTAGCCTAAACAAGGCTAAGAAGGCCCAGCTGAAAGTGTCAAAGCTCG-3'
Protein context (NP_001352465.1, residues 352-372): LALFRLMTQD[Tyr362Cys]WENLYQQTLR